The following is an entry in ClinVar:

ClinVar aggregate classification (germline): Uncertain significance (1 of 4 stars; one submission).

Conditions:
Candidiasis, familial, 8 (CANDF8). Identifiers: Orphanet 1334, MedGen C3714992, MONDO:0014230, OMIM 615527.

Allele frequency attached by ClinVar (database versions not stated): gnomAD exomes below 0.00001 and 0.00001; ExAC 0.00001; gnomAD 0.00002; TOPMed 0.00002.
gnomAD v4.1: 8 of 1,524,280 alleles (0.00052%); highest among the groups gnomAD compares: Admixed American, 0.013%; no homozygotes.

Submission:

Labcorp Genetics (formerly Invitae), Labcorp
Classification: Uncertain significance for Candidiasis, familial, 8. Last evaluated: 2025-03-10. Review status: criteria provided, single submitter. Criteria: Invitae Variant Classification Sherloc (09022015). Collection method: clinical testing. Allele origin: germline.
Comment: This sequence change replaces methionine, which is neutral and non-polar, with lysine, which is basic and polar, at codon 250 of the TRAF3IP2 protein (p.Met250Lys). This variant is present in population databases (rs754775237, gnomAD 0.01%). This variant has not been reported in the literature in individuals affected with TRAF3IP2-related conditions. ClinVar contains an entry for this variant (Variation ID: 1397622). Invitae Evidence Modeling of protein sequence and biophysical properties (such as structural, functional, and spatial information, amino acid conservation, physicochemical variation, residue mobility, and thermodynamic stability) indicates that this missense variant is not expected to disrupt TRAF3IP2 protein function with a negative predictive value of 80%. In summary, the available evidence is currently insufficient to determine the role of this variant in disease. Therefore, it has been classified as a Variant of Uncertain Significance.

NM_147686.4(TRAF3IP2):c.749T>A (p.Met250Lys)

Genes: TRAF3IP2 (TRAF3 interacting protein 2; minus strand), TRAF3IP2-AS1 (TRAF3IP2 antisense RNA 1; plus strand), LOC114803478 (TRAF3IP2 eExon liver enhancer; plus strand). Cytogenetic location: 6q21.
Variant type: single nucleotide variant.
Coding change: c.749T>A on transcript NM_147686.4 (MANE Select); coding-DNA position 749, T replaced by A.
Protein change: p.Met250Lys; replaces methionine 250 with lysine.
Molecular consequence: missense variant.
Genome position (GRCh38, 1-based): chr6:111,591,338, A>T on the plus strand (T>A on the coding strand, the complement: TRAF3IP2 is on the minus strand). VCF-style: chr6-111591338-A-T. GRCh37 (hg19) VCF-style: chr6-111912541-A-T.
Other names: c.749T>A, p.Met250Lys (NM_001164281.3); c.776T>A, p.Met259Lys (NM_147200.3); short protein forms M259K, M250K.
Identifiers: ClinVar variation 1397622 (VCV001397622.8), dbSNP rs754775237, ClinGen allele CA3963271.